The following is an entry in ClinVar:

NM_000388.4(CASR):c.2254C>A (p.Arg752Ser)

Gene: CASR (calcium sensing receptor; plus strand). Cytogenetic location: 3q21.1.
Variant type: single nucleotide variant.
Coding change: c.2254C>A on transcript NM_000388.4 (MANE Select); coding-DNA position 2254, C replaced by A.
Protein change: p.Arg752Ser; replaces arginine 752 with serine.
Molecular consequence: missense variant.
Genome position (GRCh38, 1-based): chr3:122,284,208, C>A. VCF-style: chr3-122284208-C-A. GRCh37 (hg19) VCF-style: chr3-122003055-C-A.
Other names: c.2284C>A, p.Arg762Ser (NM_001178065.2); short protein forms R752S, R762S.
Identifiers: ClinVar variation 532583 (VCV000532583.8), dbSNP rs193922434, ClinGen allele CA354159191.

ClinVar aggregate classification (germline): Uncertain significance (1 of 4 stars; one submission).

Conditions:
Familial hypocalciuric hypercalcemia (FHH). Also called: Familial benign hypercalcemia. Identifiers: Orphanet 405, MedGen C1809471, MONDO:0018458.
Autosomal dominant hypocalcemia 1 (HYPOC1). Also called: HYPOCALCEMIA, FAMILIAL. Identifiers: MedGen C3715128, MONDO:0011013, OMIM 601198.

Submission:

Labcorp Genetics (formerly Invitae), Labcorp
Classification: Uncertain significance for Familial hypocalciuric hypercalcemia; Autosomal dominant hypocalcemia 1. Last evaluated: 2025-08-14. Review status: criteria provided, single submitter. Criteria: Invitae Variant Classification Sherloc (09022015). Collection method: clinical testing. Allele origin: germline.
Comment: This sequence change replaces arginine, which is basic and polar, with serine, which is neutral and polar, at codon 752 of the CASR protein (p.Arg752Ser). This variant is not present in population databases (gnomAD no frequency). This variant has not been reported in the literature in individuals affected with CASR-related conditions. ClinVar contains an entry for this variant (Variation ID: 532583). An algorithm developed to predict the effect of missense changes on protein structure and function (PolyPhen-2) suggests that this variant is likely to be tolerated. In summary, the available evidence is currently insufficient to determine the role of this variant in disease. Therefore, it has been classified as a Variant of Uncertain Significance.